The following is an entry in ClinVar:

ClinVar aggregate classification (germline): Uncertain significance. Review status: criteria provided, multiple submitters, no conflicts (2 of 4 stars). 2 submissions from 2 submitters: Uncertain significance (2). Last evaluated 2026-07-22.

Conditions:
Inborn genetic diseases. Identifiers: MedGen C0950123, MeSH D030342.
CRB2-related disorder. Also called: CRB2-related condition; CRB2-related disorders.

Allele frequency attached by ClinVar (database versions not stated): gnomAD 0.00003; TOPMed 0.00006; ESP Exome Variant Server 0.00015.
gnomAD v4.1: 125 of 1,611,556 alleles (0.0078%); highest among the groups gnomAD compares: Non-Finnish European, 0.01%; no homozygotes.

Submissions (2):

PreventionGenetics, part of Exact Sciences
Classification: Uncertain significance for CRB2-related condition. Last evaluated: 2026-07-22. Review status: criteria provided, single submitter. Criteria: ACMG Guidelines, 2015. Collection method: clinical testing. Allele origin: germline.
Comment: The CRB2 c.1824G>C variant is predicted to result in the amino acid substitution p.Gln608His. To our knowledge, this variant has not been reported in the literature. This variant is reported in 0.0086% of alleles in individuals of European (Non-Finnish) descent in gnomAD. At this time, the clinical significance of this variant is uncertain due to the absence of conclusive functional and genetic evidence.

Ambry Genetics
Classification: Uncertain significance for Inborn genetic diseases. Last evaluated: 2025-11-20. Review status: criteria provided, single submitter. Criteria: Ambry Variant Classification Scheme 2023. Collection method: clinical testing. Allele origin: germline.

NM_173689.7(CRB2):c.1824G>C (p.Gln608His)

Gene: CRB2 (crumbs cell polarity complex component 2; plus strand). Cytogenetic location: 9q33.3.
Variant type: single nucleotide variant.
Coding change: c.1824G>C on transcript NM_173689.7 (MANE Select); coding-DNA position 1824, G replaced by C.
Protein change: p.Gln608His; replaces glutamine 608 with histidine.
Molecular consequence: missense variant. On other transcripts: non-coding transcript variant (1).
Genome position (GRCh38, 1-based): chr9:123,370,877, G>C. VCF-style: chr9-123370877-G-C. GRCh37 (hg19) VCF-style: chr9-126133156-G-C.
Other names: c.1824G>C (NM_173689.6); short protein forms Q608H.
Identifiers: ClinVar variation 2398419 (VCV002398419.4), dbSNP rs145019394, ClinGen allele CA5232059.